The following is an entry in ClinVar:

NM_004187.5(KDM5C):c.2517-7T>G

Gene: KDM5C (lysine demethylase 5C; minus strand). Cytogenetic location: Xp11.22.
Variant type: single nucleotide variant.
Coding change: c.2517-7T>G on transcript NM_004187.5 (MANE Select); 7 bases into the intron before coding-DNA position 2517, T replaced by G.
Molecular consequence: intron variant.
Genome position (GRCh38, 1-based): chrX:53,197,883, A>C on the plus strand (T>G on the coding strand, the complement: KDM5C is on the minus strand). VCF-style: chrX-53197883-A-C. GRCh37 (hg19) VCF-style: chrX-53227065-A-C.
Other names: c.2514-7T>G (NM_001353982.2, NM_001353979.2, NM_001282622.3); c.2517-7T>G (NM_001353981.2, NM_001353984.2, NM_001353978.3); c.2316-7T>G (NM_001146702.2).
Identifiers: ClinVar variation 1321288 (VCV001321288.1), dbSNP rs1556838825, ClinGen allele CA641549052.

ClinVar aggregate classification (germline): Uncertain significance (1 of 4 stars; one submission).

Conditions:
Intellectual developmental disorder, X-linked, syndromic, Claes-Jensen type. Also called: INTELLECTUAL DEVELOPMENTAL DISORDER, X-LINKED, SYNDROMIC 16; MENTAL RETARDATION, X-LINKED, SYNDROMIC 16; Syndromic X-linked intellectual disability Claes-Jensen type. Identifiers: Orphanet 85279, MedGen C1845243, MONDO:0010355, OMIM 300534.

Allele frequency attached by ClinVar (database versions not stated): gnomAD exomes 0.00001.

Submission:

3billion
Classification: Uncertain significance for Intellectual developmental disorder, X-linked, syndromic, Claes-Jensen type. Last evaluated: 2021-10-25. Review status: criteria provided, single submitter. Criteria: ACMG Guidelines, 2015. Collection method: clinical testing. Allele origin: unknown. Affected: yes. Observed: 1 heterozygote.
Comment: The variant is observed at an extremely low frequency in the gnomAD v2.1.1 dataset (total allele frequency: 0.000007). This variant is classified as uncertain significance according to the recommendation of ACMG/AMP guideline.